The following is an entry in ClinVar:

ClinVar aggregate classification (germline): Uncertain significance (1 of 4 stars; one submission).

Submission:

GeneDx
Classification: Uncertain significance. Last evaluated: 2020-01-30. Review status: criteria provided, single submitter. Criteria: GeneDx Variant Classification Process June 2021. Collection method: clinical testing. Allele origin: germline. Affected: yes.
Comment: In silico analysis, which includes protein predictors and evolutionary conservation, supports that this variant does not alter protein structure/function; Has not been previously published as pathogenic or benign to our knowledge

NM_000104.4(CYP1B1):c.561C>A (p.Asp187Glu)

Gene: CYP1B1 (cytochrome P450 family 1 subfamily B member 1; minus strand). Cytogenetic location: 2p22.2.
Variant type: single nucleotide variant.
Coding change: c.561C>A on transcript NM_000104.4 (MANE Select); coding-DNA position 561, C replaced by A.
Protein change: p.Asp187Glu; replaces aspartic acid 187 with glutamic acid.
Molecular consequence: missense variant.
Genome position (GRCh38, 1-based): chr2:38,074,828, G>T on the plus strand (C>A on the coding strand, the complement: CYP1B1 is on the minus strand). VCF-style: chr2-38074828-G-T. GRCh37 (hg19) VCF-style: chr2-38301971-G-T.
Other names: short protein forms D187E.
Identifiers: ClinVar variation 1315152 (VCV001315152.2), dbSNP rs766912399, ClinGen allele CA346328992.